The following is an entry in ClinVar:

ClinVar aggregate classification (germline): Pathogenic/Likely pathogenic. Review status: criteria provided, multiple submitters, no conflicts (2 of 4 stars). 3 submissions from 3 submitters: Pathogenic (2); Likely pathogenic (1). Last evaluated 2025-12-01.

Conditions:
Ichthyosis and erythrokeratoderma.
ABCA12-related disorder. Also called: ABCA12-related condition.

Submissions (3):

Genetics Laboratory, Great Ormond Street Hospital NHS Foundation Trust, North Thames Genomic Laboratory Hub
Classification: Pathogenic for Ichthyosis and erythrokeratoderma. Last evaluated: 2025-12-01. Review status: criteria provided, single submitter. Criteria: ACGS Best Practice Guidelines for Variant Classification in Rare Disease 2024 v1.2. Collection method: clinical testing. Allele origin: germline. Affected: yes.
Comment: PM2_moderate, PVS1_very-strong, PM3_supporting, PP4_supporting

Labcorp Genetics (formerly Invitae), Labcorp
Classification: Pathogenic. Last evaluated: 2023-01-09. Review status: criteria provided, single submitter. Criteria: Invitae Variant Classification Sherloc (09022015). Collection method: clinical testing. Allele origin: germline.
Comment: This variant has not been reported in the literature in individuals affected with ABCA12-related conditions. For these reasons, this variant has been classified as Pathogenic. Algorithms developed to predict the effect of sequence changes on RNA splicing suggest that this variant may disrupt the consensus splice site. This variant is not present in population databases (gnomAD no frequency). This sequence change creates a premature translational stop signal (p.Ile1128Glufs*38) in the ABCA12 gene. It is expected to result in an absent or disrupted protein product. Loss-of-function variants in ABCA12 are known to be pathogenic (PMID: 20672373).

Blueprint Genetics
Classification: Likely pathogenic for ABCA12-related disorders. Last evaluated: 2019-03-12. Review status: criteria provided, single submitter. Criteria: ACMG Guidelines, 2015. Collection method: clinical testing. Allele origin: germline. Affected: yes. Observed: 1 variant allele.

Literature cited by the submitters: PubMed 20672373 (cited by Labcorp Genetics (formerly Invitae), Labcorp).

NM_173076.3(ABCA12):c.3381_3481del (p.Ile1128fs)

Gene: ABCA12 (ATP binding cassette subfamily A member 12; minus strand). Cytogenetic location: 2q35.
Variant type: Deletion.
Coding change: c.3381_3481del on transcript NM_173076.3 (MANE Select); coding-DNA positions 3381 to 3481, 101 bases deleted.
Protein change: p.Ile1128fs; shifts the reading frame from isoleucine 1128.
Molecular consequence: frameshift variant. On other transcripts: non-coding transcript variant (1).
Genome position (GRCh38, 1-based): chr2:214,990,845-214,990,945, 101 bases deleted. GRCh37 (hg19): chr2:215,855,569-215,855,669.
Other names: c.2427_2527del, p.Ile810fs (NM_015657.4); short protein forms I1128fs, I810fs.
Identifiers: ClinVar variation 2827047 (VCV002827047.5), dbSNP rs2469257789, ClinGen allele CA913089815.